The following is an entry in ClinVar:

NM_003482.4(KMT2D):c.3366A>C (p.Thr1122=)

Gene: KMT2D (lysine methyltransferase 2D; minus strand). Cytogenetic location: 12q13.12.
Variant type: single nucleotide variant.
Coding change: c.3366A>C on transcript NM_003482.4 (MANE Select); coding-DNA position 3366, A replaced by C.
Protein change: p.Thr1122=; no amino-acid change (threonine 1122 retained).
Molecular consequence: synonymous variant.
Genome position (GRCh38, 1-based): chr12:49,050,222, T>G on the plus strand (A>C on the coding strand, the complement: KMT2D is on the minus strand). VCF-style: chr12-49050222-T-G. GRCh37 (hg19) VCF-style: chr12-49444005-T-G.
Other names: c.3366A>C (NM_003482.3).
Identifiers: ClinVar variation 1640680 (VCV001640680.11), dbSNP rs773345382, ClinGen allele CA6548067.

ClinVar aggregate classification (germline): Likely benign. Review status: criteria provided, multiple submitters, no conflicts (2 of 4 stars). 3 submissions from 3 submitters: Likely benign (2). 1 of the submissions does not count toward it. Last evaluated 2025-10-05.

Conditions:
Kabuki syndrome. Also called: NIIKAWA-KUROKI SYNDROME; Kabuki make-up syndrome. Identifiers: Orphanet 2322, MedGen C0796004, MONDO:0016512.
KMT2D-related disorder. Also called: KMT2D-Related Disorders.

Allele frequency attached by ClinVar (database versions not stated): gnomAD exomes below 0.00001 and 0.00002; gnomAD 0.00001; TOPMed 0.00002.
gnomAD v4.1: 27 of 1,613,506 alleles (0.0017%); highest among the groups gnomAD compares: Non-Finnish European, 0.0023%; no homozygotes.

Submissions (3):

Labcorp Genetics (formerly Invitae), Labcorp
Classification: Likely benign for Kabuki syndrome. Last evaluated: 2025-10-05. Review status: criteria provided, single submitter. Criteria: Invitae Variant Classification Sherloc (09022015). Collection method: clinical testing. Allele origin: germline.

Blueprint Genetics
Classification: Likely benign. Last evaluated: 2024-08-19. Review status: criteria provided, single submitter. Criteria: ACMG Guidelines, 2015. Collection method: clinical testing. Allele origin: germline.

PreventionGenetics, part of Exact Sciences
Classification: Likely benign for KMT2D-related condition. Last evaluated: 2023-08-11. Review status: no assertion criteria provided. Collection method: clinical testing. Allele origin: germline. Not counted in ClinVar's aggregate classification.
Comment: This variant is classified as likely benign based on ACMG/AMP sequence variant interpretation guidelines (Richards et al. 2015 PMID: 25741868, with internal and published modifications).